The following is an entry in ClinVar:

NM_001329943.3(KIAA0586):c.2255-3T>C

Gene: KIAA0586 (KIAA0586; plus strand). Cytogenetic location: 14q23.1.
Variant type: single nucleotide variant.
Coding change: c.2255-3T>C on transcript NM_001329943.3 (MANE Select); 3 bases into the intron before coding-DNA position 2255, T replaced by C.
Molecular consequence: intron variant.
Genome position (GRCh38, 1-based): chr14:58,467,732, T>C. VCF-style: chr14-58467732-T-C. GRCh37 (hg19) VCF-style: chr14-58934450-T-C.
Other names: c.2414-3T>C (NM_001244189.2); c.2210-3T>C (NM_001244190.2); c.2123-3T>C (NM_001244192.2); c.2000-3T>C (NM_001244191.2, NM_001364701.2, NM_001329945.2 and 1 more transcripts); c.2255-3T>C (NM_001329944.2, NM_001329946.2, NM_001329947.2); c.2027-3T>C (NM_014749.5); c.1835-3T>C (NM_001244193.2).
Identifiers: ClinVar variation 1395939 (VCV001395939.6), dbSNP rs2140956887, ClinGen allele CA2573150069.

ClinVar aggregate classification (germline): Uncertain significance (1 of 4 stars; one submission).

Conditions:
Short-rib thoracic dysplasia 14 with polydactyly (SRTD14). Identifiers: Orphanet 397715, MedGen C4225286, MONDO:0014688, OMIM 616546.
Joubert syndrome 23 (JBTS23). Identifiers: Orphanet 475, MedGen C4084822, MONDO:0014664, OMIM 616490.

Allele frequency attached by ClinVar (database versions not stated): gnomAD exomes 0.00003.
gnomAD v4.1: 44 of 1,598,452 alleles (0.0028%); highest among the groups gnomAD compares: Non-Finnish European, 0.0037%; no homozygotes.

Submission:

Labcorp Genetics (formerly Invitae), Labcorp
Classification: Uncertain significance for Joubert syndrome 23; Short-rib thoracic dysplasia 14 with polydactyly. Last evaluated: 2022-03-10. Review status: criteria provided, single submitter. Criteria: Invitae Variant Classification Sherloc (09022015). Collection method: clinical testing. Allele origin: germline.
Comment: In summary, the available evidence is currently insufficient to determine the role of this variant in disease. Therefore, it has been classified as a Variant of Uncertain Significance. Variants that disrupt the consensus splice site are a relatively common cause of aberrant splicing (PMID: 17576681, 9536098). Algorithms developed to predict the effect of sequence changes on RNA splicing suggest that this variant is not likely to affect RNA splicing. This variant has not been reported in the literature in individuals affected with KIAA0586-related conditions. This variant is not present in population databases (gnomAD no frequency). This sequence change falls in intron 17 of the KIAA0586 gene. It does not directly change the encoded amino acid sequence of the KIAA0586 protein. It affects a nucleotide within the consensus splice site.

Literature cited by the submitters: PubMed 17576681; PubMed 9536098.